The following is an entry in ClinVar:

ClinVar aggregate classification (germline): Likely pathogenic (1 of 4 stars; one submission).

Conditions:
Dilated cardiomyopathy 1G (CMD1G). Identifiers: Orphanet 154, MedGen C1858763, MONDO:0011400, OMIM 604145.
Hypertrophic cardiomyopathy 9. Also called: Familial hypertrophic cardiomyopathy 9. Identifiers: MedGen C1861065, MONDO:0013412, OMIM 613765.
Early-onset myopathy with fatal cardiomyopathy (CMYO5). Also called: Salih Myopathy; CONGENITAL MYOPATHY 5 WITH CARDIOMYOPATHY. Identifiers: Orphanet 289377, MedGen C2673677, MONDO:0012714, OMIM 611705. Disease mechanism: loss of function.
Tibial muscular dystrophy (TMD). Also called: Tibial muscular dystrophy, tardive; Udd Distal Myopathy – Tibial Muscular Dystrophy; UDD MYOPATHY. Identifiers: Orphanet 609, MedGen C1838244, MONDO:0010870, OMIM 600334.
Autosomal recessive limb-girdle muscular dystrophy type 2J (LGMDR10). Also called: MUSCULAR DYSTROPHY, LIMB-GIRDLE, AUTOSOMAL RECESSIVE 10; Limb-girdle muscular dystrophy, type 2J. Identifiers: Orphanet 140922, MedGen C1837342, MONDO:0012127, OMIM 608807.
Myopathy, myofibrillar, 9, with early respiratory failure (MFM9). Also called: EDSTROM MYOPATHY; Myopathy, distal, with early respiratory failure, autosomal dominant; Hereditary myopathy with early respiratory failure; MYOPATHY, PROXIMAL, WITH EARLY RESPIRATORY MUSCLE INVOLVEMENT. Identifiers: Orphanet 178464, Orphanet 34521, MedGen C1863599, MONDO:0011362, OMIM 603689.

Submission:

Juno Genomics, Hangzhou Juno Genomics, Inc
Classification: Likely pathogenic for Early-onset myopathy with fatal cardiomyopathy; Dilated cardiomyopathy 1G; Hypertrophic cardiomyopathy 9; Autosomal recessive limb-girdle muscular dystrophy type 2J; Myopathy, myofibrillar, 9, with early respiratory failure; Tibial muscular dystrophy. Review status: criteria provided, single submitter. Criteria: ACMG Guidelines, 2015. Collection method: clinical testing. Allele origin: germline.
Comment: Absent from controls (or at extremely low frequency if recessive) in Genome Aggregation Database.;Null variant in a gene where loss of function (LOF) is a known mechanism of disease.

NM_001267550.2(TTN):c.31303_31304del (p.Lys10435fs)

Gene: TTN (titin; minus strand). Cytogenetic location: 2q31.2.
Variant type: Deletion.
Coding change: c.31303_31304del on transcript NM_001267550.2 (MANE Select); coding-DNA positions 31303 to 31304, 2 bases deleted (AA; older notation c.31303_31304delAA).
Protein change: p.Lys10435fs; shifts the reading frame from lysine 10435.
Molecular consequence: frameshift variant. On other transcripts: intron variant (3).
Genome position (GRCh38, 1-based): chr2:178,694,873-178,694,874, TT deleted on the plus strand (AA on the coding strand, the reverse complement: TTN is on the minus strand); deleting any 2 consecutive bases within chr2:178,694,873-178,694,876 gives the same sequence; the c. name uses the placement nearest the transcript's 3' end. VCF-style (leftmost placement, unchanged base first): chr2-178694872-CTT-C. GRCh37 (hg19) VCF-style: chr2-179559599-CTT-C.
Other names: c.30352_30353del, p.Lys10118fs (NM_001256850.1); c.27571_27572del, p.Lys9191fs (NM_133378.4); c.13282+43208_13282+43209del (NM_003319.4); c.13858+43208_13858+43209del (NM_133437.4); c.13657+43208_13657+43209del (NM_133432.3); short protein forms K10118fs, K10435fs, K9191fs.
Identifiers: ClinVar variation 3382492 (VCV003382492.3).